The following is an entry in ClinVar:

NM_174936.4(PCSK9):c.-112A>G

Gene: PCSK9 (proprotein convertase subtilisin/kexin type 9; plus strand). Cytogenetic location: 1p32.3.
Variant type: single nucleotide variant.
Coding change: c.-112A>G on transcript NM_174936.4 (MANE Select); 112 bases upstream of the start codon, A replaced by G.
Molecular consequence: 5 prime UTR variant. On other transcripts: non-coding transcript variant (8).
Genome position (GRCh38, 1-based): chr1:55,039,726, A>G. VCF-style: chr1-55039726-A-G. GRCh37 (hg19) VCF-style: chr1-55505399-A-G.
Other names: c.-112A>G (NM_001407240.1, NM_001407241.1, NM_001407242.1 and 4 more transcripts); c.-846A>G (NM_001407246.1).
Identifiers: ClinVar variation 4887873 (VCV004887873.1).
Genomic context (GRCh38, chr1:55,039,726, plus strand): 5'-GCAGCGGCTCCCAGCTCCCAGCCAGGATTCCGCGCGCCCCTTCACGCGCCCTGCTCCTGA[A>G]CTTCAGCTCCTGCACAGTCCTCCCCACCGCAAGGCTCAAGGCGCCGCCGGCGTGGACCGC-3'

ClinVar aggregate classification (germline): Uncertain significance (1 of 4 stars; one submission).

gnomAD v4.1: 59 of 1,297,820 alleles (0.0045%); highest among the groups gnomAD compares: Admixed American, 0.088%; no homozygotes.

Submission:

GeneDx
Classification: Uncertain significance. Last evaluated: 2026-01-26. Review status: criteria provided, single submitter. Criteria: GeneDx Variant Classification Process June 2021. Collection method: clinical testing. Allele origin: germline.
Comment: Identified heterozygous in two individuals in a familial hypercholesterolemia cohort, however patient specific clinical information was not provided (PMID: 37217153); Nucleotide is not conserved across species and the substitution has no predicted effect on splicing; Located in a regulatory region; in the absence of functional studies, the actual effect of this sequence change is unknown; This variant is associated with the following publications: (PMID: 37217153)